The following is an entry in ClinVar:

ClinVar aggregate classification (germline): Benign (0 of 4 stars; one submission).

Conditions:
MAP3K15-related disorder. Also called: MAP3K15-related condition.

Allele frequency attached by ClinVar (database versions not stated): 1000 Genomes Project 0.00636; 1000 Genomes Project 30x 0.00666; TOPMed 0.00691; gnomAD 0.00722; ExAC 0.00747; ESP Exome Variant Server 0.00862; gnomAD exomes 0.01072.
gnomAD v4.1: 12,339 of 1,197,843 alleles (1%); highest among the groups gnomAD compares: Non-Finnish European, 1.3%; 55 homozygotes.

Submission:

PreventionGenetics, part of Exact Sciences
Classification: Benign for MAP3K15-related condition. Last evaluated: 2019-03-08. Review status: no assertion criteria provided. Collection method: clinical testing. Allele origin: germline.
Comment: This variant is classified as benign based on ACMG/AMP sequence variant interpretation guidelines (Richards et al. 2015 PMID: 25741868, with internal and published modifications).

NM_001001671.4(MAP3K15):c.1366A>G (p.Ser456Gly)

Gene: MAP3K15 (mitogen-activated protein kinase kinase kinase 15; minus strand). Cytogenetic location: Xp22.12.
Variant type: single nucleotide variant.
Coding change: c.1366A>G on transcript NM_001001671.4 (MANE Select); coding-DNA position 1366, A replaced by G.
Protein change: p.Ser456Gly; replaces serine 456 with glycine.
Molecular consequence: missense variant.
Genome position (GRCh38, 1-based): chrX:19,425,604, T>C on the plus strand (A>G on the coding strand, the complement: MAP3K15 is on the minus strand). VCF-style: chrX-19425604-T-C. GRCh37 (hg19) VCF-style: chrX-19443722-T-C.
Other names: short protein forms S456G.
Identifiers: ClinVar variation 3042136 (VCV003042136.2), dbSNP rs56212339, ClinGen allele CA10364098.